The following is an entry in ClinVar:

ClinVar aggregate classification (germline): Uncertain significance (1 of 4 stars; one submission).

Allele frequency attached by ClinVar (database versions not stated): TOPMed 0.00001.
gnomAD v4.1: 1 of 1,493,670 alleles (0.000067%); highest among the groups gnomAD compares: African/African-American, 0.0014%; no homozygotes.

Submission:

Labcorp Genetics (formerly Invitae), Labcorp
Classification: Uncertain significance. Last evaluated: 2023-09-10. Review status: criteria provided, single submitter. Criteria: Invitae Variant Classification Sherloc (09022015). Collection method: clinical testing. Allele origin: germline.
Comment: In summary, the available evidence is currently insufficient to determine the role of this variant in disease. Therefore, it has been classified as a Variant of Uncertain Significance. An algorithm developed to predict the effect of missense changes on protein structure and function (PolyPhen-2) suggests that this variant is likely to be disruptive. This variant has not been reported in the literature in individuals affected with NRL-related conditions. This variant is not present in population databases (gnomAD no frequency). This sequence change replaces leucine, which is neutral and non-polar, with phenylalanine, which is neutral and non-polar, at codon 237 of the NRL protein (p.Leu237Phe).

NM_001354768.3(NRL):c.709C>T (p.Leu237Phe)

Genes: NRL (neural retina leucine zipper; minus strand), LOC130055387 (ATAC-STARR-seq lymphoblastoid silent region 5620; plus strand). Cytogenetic location: 14q11.2.
Variant type: single nucleotide variant.
Coding change: c.709C>T on transcript NM_001354768.3 (MANE Select); coding-DNA position 709, C replaced by T.
Protein change: p.Leu237Phe; replaces leucine 237 with phenylalanine.
Molecular consequence: missense variant.
Genome position (GRCh38, 1-based): chr14:24,081,241, G>A on the plus strand (C>T on the coding strand, the complement: NRL is on the minus strand). VCF-style: chr14-24081241-G-A. GRCh37 (hg19) VCF-style: chr14-24550450-G-A.
Other names: c.709C>T, p.Leu237Phe (NM_001354769.1, NM_006177.5); c.394C>T, p.Leu132Phe (NM_001354770.2); short protein forms L132F, L237F.
Identifiers: ClinVar variation 2803836 (VCV002803836.3), dbSNP rs1434317754, ClinGen allele CA389275987.